The following is an entry in ClinVar:

NM_006160.4(NEUROD2):c.886G>A (p.Glu296Lys)

Gene: NEUROD2 (neuronal differentiation 2; minus strand). Cytogenetic location: 17q12.
Variant type: single nucleotide variant.
Coding change: c.886G>A on transcript NM_006160.4 (MANE Select); coding-DNA position 886, G replaced by A.
Protein change: p.Glu296Lys; replaces glutamic acid 296 with lysine.
Molecular consequence: missense variant.
Genome position (GRCh38, 1-based): chr17:39,605,714, C>T on the plus strand (G>A on the coding strand, the complement: NEUROD2 is on the minus strand). VCF-style: chr17-39605714-C-T. GRCh37 (hg19) VCF-style: chr17-37761967-C-T.
Other names: short protein forms E296K.
Identifiers: ClinVar variation 5017669 (VCV005017669.1).
Genomic context (GRCh38, chr17:39,605,714, plus strand): 5'-AGGAGTCCTGCTTGAGTGAGAAGTTGCCATTGAGACAGAGCGGGGGGCTGAGCGGGCCCT[C>T]GTACTCGGAGCTGTTGTAGTCCGGGCTCGCGCCGCCACCGCCTGCCGCCGCATACAGCGT-3'
Protein context (NP_006151.3, residues 286-306): ASPDYNSSEY[Glu296Lys]GPLSPPLCLN

ClinVar aggregate classification (germline): Uncertain significance (1 of 4 stars; one submission).

Submission:

GeneDx
Classification: Uncertain significance. Last evaluated: 2026-03-26. Review status: criteria provided, single submitter. Criteria: GeneDx Variant Classification Process June 2021. Collection method: clinical testing. Allele origin: germline.
Comment: Not observed at significant frequency in large population cohorts (gnomAD); In silico analysis supports that this missense variant has a deleterious effect on protein structure/function; Has not been previously published as pathogenic or benign to our knowledge